The following is an entry in ClinVar:

ClinVar aggregate classification (germline): Benign/Likely benign. Review status: criteria provided, multiple submitters, no conflicts (2 of 4 stars). 6 submissions from 6 submitters: Benign (3); Likely benign (3). Last evaluated 2026-02-01.

Conditions:
Renal cysts and diabetes syndrome (RCAD). Also called: MATURITY-ONSET DIABETES OF THE YOUNG, TYPE 5; Familial hypoplastic, glomerulocystic kidney. Identifiers: Orphanet 93111, MedGen C0431693, MONDO:0007669, OMIM 137920.
Type 2 diabetes mellitus. Also called: Type II diabetes mellitus. Identifiers: MedGen C0011860, MeSH D003924, MONDO:0005148, OMIM 125853, HP:0005978.
Nonpapillary renal cell carcinoma. Identifiers: Orphanet 422526, MedGen CN074294, MONDO:0007763, OMIM 144700.
Maturity-onset diabetes of the young (MODY). Also called: Maturity onset diabetes mellitus in young. Identifiers: Orphanet 552, MedGen C0342276, MONDO:0018911, HP:0004904.

Allele frequency attached by ClinVar (database versions not stated): 1000 Genomes Project 30x 0.00016; 1000 Genomes Project 0.00020; ExAC 0.00025; gnomAD 0.00025 and 0.00026; ESP Exome Variant Server 0.00031; TOPMed 0.00040.

Submissions (6):

Labcorp Genetics (formerly Invitae), Labcorp
Classification: Likely benign. Last evaluated: 2026-02-01. Review status: criteria provided, single submitter. Criteria: Invitae Variant Classification Sherloc (09022015). Collection method: clinical testing. Allele origin: germline.

Athena Diagnostics
Classification: Benign. Last evaluated: 2025-05-14. Review status: criteria provided, single submitter. Criteria: Athena Diagnostics Criteria. Collection method: clinical testing. Allele origin: unknown.
Comment: The frequency of this variant in the general population is higher than would generally be expected for pathogenic variants in this gene. Computational tools yielded predictions that this variant is unlikely to have an effect on normal RNA splicing. This nucleotide position exhibits low evolutionary conservation. This variant has been seen where an alternate explanation for disease was also identified.

Blueprint Genetics
Classification: Likely benign. Last evaluated: 2024-10-07. Review status: criteria provided, single submitter. Criteria: ACMG Guidelines, 2015. Collection method: clinical testing. Allele origin: germline.

Women's Health and Genetics/Laboratory Corporation of America, LabCorp
Classification: Benign. Last evaluated: 2023-06-06. Review status: criteria provided, single submitter. Criteria: LabCorp Variant Classification Summary - May 2015. Collection method: clinical testing. Allele origin: germline.
Comment: Variant summary: HNF1B c.1207-18T>C alters a non-conserved nucleotide located close to a canonical splice site and therefore could affect mRNA splicing, leading to a significantly altered protein sequence. 4/4 computational tools predict no significant impact on normal splicing. However, these predictions have yet to be confirmed by functional studies. The variant allele was found at a frequency of 0.00031 in 242366 control chromosomes (gnomAD). The observed variant frequency is approximately 122 fold of the estimated maximal expected allele frequency for a pathogenic variant in HNF1B causing Maturity Onset Diabetes Of The Young 5 (Renal Cysts And Diabetes Syndrome) phenotype (2.5e-06), strongly suggesting that the variant is benign. Three ClinVar submitters have assessed the variant since 2014: two classified the variant as likely benign, and one as benign. Based on the evidence outlined above, the variant was classified as benign.

Fulgent Genetics
Classification: Likely benign for Type 2 diabetes mellitus; Renal cysts and diabetes syndrome; Nonpapillary renal cell carcinoma. Last evaluated: 2022-01-05. Review status: criteria provided, single submitter. Criteria: ACMG Guidelines, 2015. Collection method: clinical testing. Allele origin: unknown.

Clinical Genomics, Uppaluri K&H Personalized Medicine Clinic
Classification: Benign for Maturity-onset diabetes of the young. Review status: criteria provided, single submitter. Criteria: K & H Uppaluri Personalized Medicine Clinic Variant Classification & Assertion Criteria_Updated V.1. Collection method: research. Allele origin: unknown. Inheritance: Autosomal dominant inheritance.
Comment: HNF1B gene mutations are associated with early onset diabetes and pancreatic atrophy. It is also associated with multiple renal manifestations including renal cysts, Tubulointerstitial disease, glomerulocystic disease, renal hypoplasia, hypomagnesemia. However no sufficient evidence is found to ascertain the role of this particular variant rs199849203, yet.

Literature cited by the submitters: PubMed 26059258 (cited by Athena Diagnostics); PubMed 24897035 (cited by Clinical Genomics, Uppaluri K&H Personalized Medicine Clinic); PubMed 25536396 (cited by Clinical Genomics, Uppaluri K&H Personalized Medicine Clinic); PubMed 27615128 (cited by Clinical Genomics, Uppaluri K&H Personalized Medicine Clinic); PubMed 28215227 (cited by Clinical Genomics, Uppaluri K&H Personalized Medicine Clinic); PubMed 33434175 (cited by Clinical Genomics, Uppaluri K&H Personalized Medicine Clinic); PubMed 25741167 (cited by Clinical Genomics, Uppaluri K&H Personalized Medicine Clinic); PubMed 26340261 (cited by Clinical Genomics, Uppaluri K&H Personalized Medicine Clinic); PubMed 19639018 (cited by Clinical Genomics, Uppaluri K&H Personalized Medicine Clinic).

NM_000458.4(HNF1B):c.1207-18T>C

Gene: HNF1B (HNF1 homeobox B; minus strand). Cytogenetic location: 17q12.
Variant type: single nucleotide variant.
Coding change: c.1207-18T>C on transcript NM_000458.4 (MANE Select); 18 bases into the intron before coding-DNA position 1207, T replaced by C.
Molecular consequence: intron variant.
Genome position (GRCh38, 1-based): chr17:37,705,067, A>G on the plus strand (T>C on the coding strand, the complement: HNF1B is on the minus strand). VCF-style: chr17-37705067-A-G. GRCh37 (hg19) VCF-style: chr17-36065074-A-G.
Other names: c.1129-18T>C (NM_001304286.2, NM_001165923.4); c.1207-18T>C (NM_000458.3).
Identifiers: ClinVar variation 994816 (VCV000994816.11), dbSNP rs199849203, ClinGen allele CA8518864.